The following is an entry in ClinVar:

ClinVar aggregate classification (germline): Pathogenic. Review status: criteria provided, single submitter (1 of 4 stars). 2 submissions from 2 submitters: Pathogenic (1). 1 of the submissions does not count toward it. Last evaluated 2019-04-07.

Conditions:
Neurofibromatosis, type 1 (NF1). Also called: Neurofibromatosis, type I; NEUROFIBROMATOSIS, TYPE I, SOMATIC; Peripheral type neurofibromatosis; VON RECKLINGHAUSEN DISEASE. Identifiers: Orphanet 636, MedGen C0027831, MONDO:0018975, OMIM 162200. Disease mechanism: loss of function.

Submissions (2):

Labcorp Genetics (formerly Invitae), Labcorp
Classification: Pathogenic for Neurofibromatosis, type 1. Last evaluated: 2019-04-07. Review status: criteria provided, single submitter. Criteria: Invitae Variant Classification Sherloc (09022015). Collection method: clinical testing. Allele origin: germline.
Comment: This sequence change creates a premature translational stop signal (p.Leu650*) in the NF1 gene. It is expected to result in an absent or disrupted protein product. This variant is not present in population databases (ExAC no frequency). This variant has been observed in several individuals with neurofibromatosis type 1 (PMID: 28961165). ClinVar contains an entry for this variant (Variation ID: 431603). Loss-of-function variants in NF1 are known to be pathogenic (PMID: 10712197, 23913538). For these reasons, this variant has been classified as Pathogenic.

Medical Genetics, University of Parma
Classification: Pathogenic for Neurofibromatosis type 1. Last evaluated: 2017-02-02. Review status: no assertion criteria provided. Collection method: clinical testing. Allele origin: germline. Affected: yes. Not counted in ClinVar's aggregate classification.

Literature cited by the submitters: PubMed 28961165 (cited by Labcorp Genetics (formerly Invitae), Labcorp); PubMed 10712197 (cited by Labcorp Genetics (formerly Invitae), Labcorp); PubMed 23913538 (cited by Labcorp Genetics (formerly Invitae), Labcorp).

NM_001042492.3(NF1):c.1949T>A (p.Leu650Ter)

Gene: NF1 (neurofibromin 1; plus strand). Cytogenetic location: 17q11.2.
Variant type: single nucleotide variant.
Coding change: c.1949T>A on transcript NM_001042492.3 (MANE Select); coding-DNA position 1949, T replaced by A.
Protein change: p.Leu650Ter; replaces leucine 650 with a stop codon.
Molecular consequence: nonsense.
Genome position (GRCh38, 1-based): chr17:31,225,198, T>A. VCF-style: chr17-31225198-T-A. GRCh37 (hg19) VCF-style: chr17-29552216-T-A.
Other names: c.1949T>A, p.Leu650Ter (NM_000267.4); short protein forms L650*.
Identifiers: ClinVar variation 431603 (VCV000431603.7), dbSNP rs1135402826, ClinGen allele CA399005472.